The following is an entry in ClinVar:

ClinVar aggregate classification (germline): Conflicting classifications of pathogenicity. Review status: criteria provided, conflicting classifications (1 of 4 stars). 4 submissions from 4 submitters: Uncertain significance (1); Benign (1); Likely benign (2). Last evaluated 2025-09-10.

Conditions:
Fanconi anemia (FA). Also called: Fanconi's anemia. Identifiers: Orphanet 84, MedGen C0015625, MeSH D005199, MONDO:0019391.

Submissions (4):

Labcorp Genetics (formerly Invitae), Labcorp
Classification: Benign for Fanconi anemia. Last evaluated: 2025-09-10. Review status: criteria provided, single submitter. Criteria: Invitae Variant Classification Sherloc (09022015). Collection method: clinical testing. Allele origin: germline.

Blueprint Genetics
Classification: Likely benign. Last evaluated: 2024-10-07. Review status: criteria provided, single submitter. Criteria: ACMG Guidelines, 2015. Collection method: clinical testing. Allele origin: germline.

CeGaT Center for Human Genetics Tuebingen
Classification: Likely benign. Last evaluated: 2023-03-01. Review status: criteria provided, single submitter. Criteria: CeGaT Center For Human Genetics Tuebingen Variant Classification Criteria Version 2. Collection method: clinical testing. Allele origin: germline. Affected: yes. Observed: 2 variant alleles.
Comment: SLX4: BS2

GeneDx
Classification: Uncertain significance. Last evaluated: 2019-11-25. Review status: criteria provided, single submitter. Criteria: GeneDx Variant Classification Process June 2021. Collection method: clinical testing. Allele origin: germline. Affected: yes.
Comment: In-frame deletion of 1 amino acid in a non-repeat region; In silico analysis, which includes protein predictors and evolutionary conservation, supports that this variant does not alter protein structure/function; Has not been previously published as pathogenic or benign to our knowledge

NM_032444.4(SLX4):c.258AAG[1] (p.Arg87del)

Gene: SLX4 (SLX4 structure-specific endonuclease subunit; minus strand). Cytogenetic location: 16p13.3.
Variant type: Microsatellite.
Coding change: c.258AAG[1] on transcript NM_032444.4 (MANE Select); one copy of the 3-base unit AAG starting at c.258; the reference has two copies in a row; one copy, 3 bases deleted.
Protein change: p.Arg87del; deletes arginine 87.
Molecular consequence: inframe deletion.
Genome position (GRCh38, 1-based): chr16:3,608,702-3,608,704, CTT deleted on the plus strand (AAG on the coding strand, the reverse complement: SLX4 is on the minus strand); deleting any 3 consecutive bases within chr16:3,608,702-3,608,707 gives the same sequence; the position shown is the placement nearest the transcript's 3' end. VCF-style (leftmost placement, unchanged base first): chr16-3608701-GCTT-G. GRCh37 (hg19) VCF-style: chr16-3658702-GCTT-G.
Other names: short protein forms R87del.
Identifiers: ClinVar variation 1165044 (VCV001165044.35), dbSNP rs536289991, ClinGen allele CA7866914.